The following is an entry in ClinVar:

NM_007347.5(AP4E1):c.1429+1G>T

Gene: AP4E1 (adaptor related protein complex 4 subunit epsilon 1; plus strand). Cytogenetic location: 15q21.2.
Variant type: single nucleotide variant.
Coding change: c.1429+1G>T on transcript NM_007347.5 (MANE Select); the canonical splice donor site of the intron after coding-DNA position 1429, G replaced by T.
Molecular consequence: splice donor variant.
Genome position (GRCh38, 1-based): chr15:50,949,939, G>T. VCF-style: chr15-50949939-G-T. GRCh37 (hg19) VCF-style: chr15-51242136-G-T.
Other names: NM_001252127.2:c.1204+1G>T; c.1204+1G>T (NM_001252127.2).
Identifiers: ClinVar variation 2500948 (VCV002500948.1), dbSNP rs2140862092, ClinGen allele CA392417918.

ClinVar aggregate classification (germline): Uncertain significance (1 of 4 stars; one submission).

Conditions:
Hereditary spastic paraplegia 51. Also called: CEREBRAL PALSY, SPASTIC QUADRIPLEGIC, 4; Spastic paraplegia 51, autosomal recessive. Identifiers: Orphanet 280763, MedGen C3151056, MONDO:0013401, OMIM 613744.

Submission:

Broad Center for Mendelian Genomics, Broad Institute of MIT and Harvard
Classification: Uncertain significance for Hereditary spastic paraplegia 51. Last evaluated: 2023-05-02. Review status: criteria provided, single submitter. Criteria: ACMG Guidelines, 2015. Collection method: curation. Allele origin: germline. Inheritance: Autosomal recessive inheritance.
Comment: The homozygous c.1429+1G>T variant in AP4E1 was identified by our study in four siblings with abnormal cerebral ventricle morphology, lateral ventricle dilatation, hypoplasia of the corpus callosum, delayed speech and language development, and inability to walk. The c.1429+1G>T variant in AP4E1 has not been previously reported in individuals with autosomal recessive spastic paraplegia 51. This variant is absent from population databases. A different nucleotide change that also results in a splice donor variant at the same site, c.1429+1G>A (ClinVar Variation ID: 1699534) has been previously reported likely pathogenic, and the variant being assessed here, c.1429+1G>T, is predicted by SpliceAI to have a similar effect on splicing. This variant is located in the 5' splice region. Computational tools predict a splicing impact, though this information is not predictive enough to determine pathogenicity. There is an in-frame cryptic splice site 60 bases from the intron-exon boundary, providing evidence that this variant may delete 30 amino acids instead of causing loss of function. However, this information is not predictive enough to determine pathogenicity. Loss of function of the AP4E1 gene is an established disease mechanism in autosomal recessive spastic paraplegia 51. In summary, while there is some suspicion for a pathogenic role, the clinical significance of this variant is uncertain. ACMG/AMP Criteria applied: PVS1_Moderate, PS1_Supporting, PM2_Supporting, PM3_Supporting (Richards 2015).